The following is an entry in ClinVar:

NM_001206927.2(DNAH8):c.8224A>C (p.Ile2742Leu)

Gene: DNAH8 (dynein axonemal heavy chain 8; plus strand). Cytogenetic location: 6p21.2.
Variant type: single nucleotide variant.
Coding change: c.8224A>C on transcript NM_001206927.2 (MANE Select); coding-DNA position 8224, A replaced by C.
Protein change: p.Ile2742Leu; replaces isoleucine 2742 with leucine.
Molecular consequence: missense variant.
Genome position (GRCh38, 1-based): chr6:38,883,963, A>C. VCF-style: chr6-38883963-A-C. GRCh37 (hg19) VCF-style: chr6-38851739-A-C.
Other names: c.7573A>C, p.Ile2525Leu (NM_001371.4); short protein forms I2742L, I2525L.
Identifiers: ClinVar variation 454600 (VCV000454600.8), dbSNP rs371362386, ClinGen allele CA3790130.
Genomic context (GRCh38, chr6:38,883,963, plus strand): 5'-CGAATTGGAAGCACATATGGGCCACCAGGAGGGAGAAAAATGACTGTATTTATTGATGAT[A>C]TTAATATGCCTGTGATTAATGAGTGGGGAGATCAGGTATGGCTGAAATATCTCATATAGA-3'
Protein context (NP_001193856.1, residues 2732-2752): GRKMTVFIDD[Ile2742Leu]NMPVINEWGD

ClinVar aggregate classification (germline): Uncertain significance. Review status: criteria provided, multiple submitters, no conflicts (2 of 4 stars). 2 submissions from 2 submitters: Uncertain significance (2). Last evaluated 2024-05-14.

Conditions:
Primary ciliary dyskinesia. Also called: Ciliary dyskinesia. Identifiers: Orphanet 244, MedGen C0008780, MONDO:0016575, HP:0012265.

Allele frequency attached by ClinVar (database versions not stated): gnomAD exomes 0.00002 and 0.00005; ExAC 0.00007; gnomAD 0.00017 and 0.00019; TOPMed 0.00020; ESP Exome Variant Server 0.00031.
gnomAD v4.1: 46 of 1,583,936 alleles (0.0029%); highest among the groups gnomAD compares: African/African-American, 0.062%; no homozygotes.

Submissions (2):

Ambry Genetics
Classification: Uncertain significance. Last evaluated: 2024-05-14. Review status: criteria provided, single submitter. Criteria: Ambry Variant Classification Scheme 2023. Collection method: clinical testing. Allele origin: germline.

Labcorp Genetics (formerly Invitae), Labcorp
Classification: Uncertain significance for Primary ciliary dyskinesia. Last evaluated: 2022-07-19. Review status: criteria provided, single submitter. Criteria: Invitae Variant Classification Sherloc (09022015). Collection method: clinical testing. Allele origin: germline.
Comment: This sequence change replaces isoleucine, which is neutral and non-polar, with leucine, which is neutral and non-polar, at codon 2742 of the DNAH8 protein (p.Ile2742Leu). This variant is present in population databases (rs371362386, gnomAD 0.06%). In summary, the available evidence is currently insufficient to determine the role of this variant in disease. Therefore, it has been classified as a Variant of Uncertain Significance. Algorithms developed to predict the effect of missense changes on protein structure and function are either unavailable or do not agree on the potential impact of this missense change (SIFT: "Deleterious"; PolyPhen-2: "Not Available"; Align-GVGD: "Class C0"). ClinVar contains an entry for this variant (Variation ID: 454600). This variant has not been reported in the literature in individuals affected with DNAH8-related conditions.